The following is an entry in ClinVar:

NM_005198.5(CHKB):c.1028G>A (p.Ser343Asn)

Genes: CHKB-CPT1B (CHKB-CPT1B readthrough (NMD candidate); minus strand), CHKB (choline kinase beta; minus strand). Cytogenetic location: 22q13.33.
Variant type: single nucleotide variant.
Coding change: c.1028G>A on transcript NM_005198.5 (MANE Select); coding-DNA position 1028, G replaced by A.
Protein change: p.Ser343Asn; replaces serine 343 with asparagine.
Molecular consequence: missense variant. On other transcripts: non-coding transcript variant (1).
Genome position (GRCh38, 1-based): chr22:50,579,730, C>T on the plus strand (G>A on the coding strand, the complement: CHKB is on the minus strand). VCF-style: chr22-50579730-C-T. GRCh37 (hg19) VCF-style: chr22-51018159-C-T.
Other names: short protein forms S343N.
Identifiers: ClinVar variation 969781 (VCV000969781.8), dbSNP rs1312338081, ClinGen allele CA412195071.
Genomic context (GRCh38, chr22:50,579,730, plus strand): 5'-TCCCCAATCCCTCTTTCCTCTGCTCTGCCCTACCCCACCCTGCCCCTCCTTCCTCACCGA[C>T]TGACTTCTACCAGCAAATCTTCTTCCAGTTTTCTCTGCTCCTCTTGGGAGAGGGTCTCAC-3'
Protein context (NP_005189.2, residues 333-353): KLEEDLLVEV[Ser343Asn]RYALASHFFW

ClinVar aggregate classification (germline): Uncertain significance (1 of 4 stars; one submission).

Conditions:
Megaconial type congenital muscular dystrophy (MDCMC). Also called: CHKB-Related Muscular Dystrophy; MUSCULAR DYSTROPHY, CONGENITAL, WITH MITOCHONDRIAL STRUCTURAL ABNORMALITIES; CHKB-Related Muscle Diseases. Identifiers: Orphanet 280671, MedGen C1865233, MONDO:0011246, OMIM 602541.

Allele frequency attached by ClinVar (database versions not stated): TOPMed 0.00001.

Submission:

Labcorp Genetics (formerly Invitae), Labcorp
Classification: Uncertain significance for Megaconial type congenital muscular dystrophy. Last evaluated: 2022-06-03. Review status: criteria provided, single submitter. Criteria: Invitae Variant Classification Sherloc (09022015). Collection method: clinical testing. Allele origin: germline.
Comment: In summary, the available evidence is currently insufficient to determine the role of this variant in disease. Therefore, it has been classified as a Variant of Uncertain Significance. Algorithms developed to predict the effect of missense changes on protein structure and function output the following: SIFT: "Tolerated"; PolyPhen-2: "Benign"; Align-GVGD: "Class C0". The asparagine amino acid residue is found in multiple mammalian species, which suggests that this missense change does not adversely affect protein function. ClinVar contains an entry for this variant (Variation ID: 969781). This variant has not been reported in the literature in individuals affected with CHKB-related conditions. This variant is not present in population databases (gnomAD no frequency). This sequence change replaces serine, which is neutral and polar, with asparagine, which is neutral and polar, at codon 343 of the CHKB protein (p.Ser343Asn).